The following is an entry in ClinVar:

NM_001844.5(COL2A1):c.2602C>T (p.Pro868Ser)

Gene: COL2A1 (collagen type II alpha 1 chain; minus strand). Cytogenetic location: 12q13.11.
Variant type: single nucleotide variant.
Coding change: c.2602C>T on transcript NM_001844.5 (MANE Select); coding-DNA position 2602, C replaced by T.
Protein change: p.Pro868Ser; replaces proline 868 with serine.
Molecular consequence: missense variant.
Genome position (GRCh38, 1-based): chr12:47,980,577, G>A on the plus strand (C>T on the coding strand, the complement: COL2A1 is on the minus strand). VCF-style: chr12-47980577-G-A. GRCh37 (hg19) VCF-style: chr12-48374360-G-A.
Other names: c.2395C>T, p.Pro799Ser (NM_033150.3); short protein forms P868S, P799S.
Identifiers: ClinVar variation 1308588 (VCV001308588.8), dbSNP rs770043048, ClinGen allele CA6535049.

ClinVar aggregate classification (germline): Conflicting classifications of pathogenicity. Review status: criteria provided, conflicting classifications (1 of 4 stars). 2 submissions from 2 submitters: Uncertain significance (1); Likely benign (1). Last evaluated 2025-12-10.

Allele frequency attached by ClinVar (database versions not stated): gnomAD 0.00001; gnomAD exomes 0.00001; TOPMed 0.00001; ExAC 0.00002.
gnomAD v4.1: 25 of 1,611,366 alleles (0.0016%); highest among the groups gnomAD compares: Middle Eastern, 0.016%; no homozygotes.

Submissions (2):

Labcorp Genetics (formerly Invitae), Labcorp
Classification: Likely benign. Last evaluated: 2025-12-10. Review status: criteria provided, single submitter. Criteria: Invitae Variant Classification Sherloc (09022015). Collection method: clinical testing. Allele origin: germline.

GeneDx
Classification: Uncertain significance. Last evaluated: 2019-04-08. Review status: criteria provided, single submitter. Criteria: GeneDx Variant Classification Process June 2021. Collection method: clinical testing. Allele origin: germline. Affected: yes.
Comment: In silico analysis, which includes protein predictors and evolutionary conservation, supports a deleterious effect; Has not been previously published as pathogenic or benign to our knowledge